The following is an entry in ClinVar:

ClinVar aggregate classification (germline): Uncertain significance (1 of 4 stars; one submission).

Conditions:
Bethlem myopathy 1A. Also called: Bethlem myopathy 1; MYOPATHY, BENIGN CONGENITAL, WITH CONTRACTURES; Bethlem Muscular Dystrophy. Identifiers: Orphanet 610, MedGen CN029274, MONDO:0024530, OMIM 158810.

Submission:

Labcorp Genetics (formerly Invitae), Labcorp
Classification: Uncertain significance for Bethlem myopathy 1A. Last evaluated: 2023-05-21. Review status: criteria provided, single submitter. Criteria: Invitae Variant Classification Sherloc (09022015). Collection method: clinical testing. Allele origin: germline.
Comment: In summary, the available evidence is currently insufficient to determine the role of this variant in disease. Therefore, it has been classified as a Variant of Uncertain Significance. Advanced modeling of protein sequence and biophysical properties (such as structural, functional, and spatial information, amino acid conservation, physicochemical variation, residue mobility, and thermodynamic stability) performed at Invitae indicates that this missense variant is not expected to disrupt COL6A3 protein function. This variant has not been reported in the literature in individuals affected with COL6A3-related conditions. This variant is not present in population databases (gnomAD no frequency). This sequence change replaces serine, which is neutral and polar, with alanine, which is neutral and non-polar, at codon 46 of the COL6A3 protein (p.Ser46Ala).

NM_004369.4(COL6A3):c.136T>G (p.Ser46Ala)

Gene: COL6A3 (collagen type VI alpha 3 chain; minus strand). Cytogenetic location: 2q37.3.
Variant type: single nucleotide variant.
Coding change: c.136T>G on transcript NM_004369.4 (MANE Select); coding-DNA position 136, T replaced by G.
Protein change: p.Ser46Ala; replaces serine 46 with alanine.
Molecular consequence: missense variant. On other transcripts: intron variant (4).
Genome position (GRCh38, 1-based): chr2:237,395,160, A>C on the plus strand (T>G on the coding strand, the complement: COL6A3 is on the minus strand). VCF-style: chr2-237395160-A-C. GRCh37 (hg19) VCF-style: chr2-238303803-A-C.
Other names: c.91+1567T>G (NM_057166.5, NM_057167.4, NM_057164.5 and 1 more transcripts); short protein forms S46A.
Identifiers: ClinVar variation 2790500 (VCV002790500.3), dbSNP rs2469975271, ClinGen allele CA351228360.